The following is an entry in ClinVar:

ClinVar aggregate classification (germline): Uncertain significance (1 of 4 stars; one submission).

Conditions:
Glycogen storage disease, type VI (GSD6). Also called: Glycogen storage disease type 6; Hepatic glycogen phosphorylase deficiency; Glycogen storage disease type 6, due to phosphorylation; GSD VI; HERS DISEASE; PHOSPHORYLASE DEFICIENCY GLYCOGEN-STORAGE DISEASE OF LIVER. Identifiers: Orphanet 369, MedGen C0017925, MONDO:0009294, OMIM 232700.

Allele frequency attached by ClinVar (database versions not stated): TOPMed below 0.00001; gnomAD 0.00001; gnomAD exomes 0.00001 and 0.00004; ExAC 0.00004.
gnomAD v4.1: 17 of 1,612,596 alleles (0.0011%); highest among the groups gnomAD compares: Admixed American, 0.02%; no homozygotes.

Submission:

Labcorp Genetics (formerly Invitae), Labcorp
Classification: Uncertain significance for Glycogen storage disease, type VI. Last evaluated: 2022-01-01. Review status: criteria provided, single submitter. Criteria: Invitae Variant Classification Sherloc (09022015). Collection method: clinical testing. Allele origin: germline.
Comment: This sequence change replaces asparagine, which is neutral and polar, with serine, which is neutral and polar, at codon 134 of the PYGL protein (p.Asn134Ser). This variant is present in population databases (rs780574052, gnomAD 0.02%). This variant has not been reported in the literature in individuals affected with PYGL-related conditions. ClinVar contains an entry for this variant (Variation ID: 652113). Advanced modeling of protein sequence and biophysical properties (such as structural, functional, and spatial information, amino acid conservation, physicochemical variation, residue mobility, and thermodynamic stability) performed at Invitae indicates that this missense variant is not expected to disrupt PYGL protein function. In summary, the available evidence is currently insufficient to determine the role of this variant in disease. Therefore, it has been classified as a Variant of Uncertain Significance.

NM_002863.5(PYGL):c.401A>G (p.Asn134Ser)

Gene: PYGL (glycogen phosphorylase L; minus strand). Cytogenetic location: 14q22.1.
Variant type: single nucleotide variant.
Coding change: c.401A>G on transcript NM_002863.5 (MANE Select); coding-DNA position 401, A replaced by G.
Protein change: p.Asn134Ser; replaces asparagine 134 with serine.
Molecular consequence: missense variant.
Genome position (GRCh38, 1-based): chr14:50,935,130, T>C on the plus strand (A>G on the coding strand, the complement: PYGL is on the minus strand). VCF-style: chr14-50935130-T-C. GRCh37 (hg19) VCF-style: chr14-51401848-T-C.
Other names: c.299A>G, p.Asn100Ser (NM_001163940.2); short protein forms N134S, N100S.
Identifiers: ClinVar variation 652113 (VCV000652113.8), dbSNP rs780574052, ClinGen allele CA7183822.